The following is an entry in ClinVar:

ClinVar aggregate classification (germline): Uncertain significance. Review status: criteria provided, multiple submitters, no conflicts (2 of 4 stars). 2 submissions from 2 submitters: Uncertain significance (2). Last evaluated 2022-05-20.

Conditions:
Sitosterolemia (STSL). Also called: PHYTOSTEROLEMIA. Identifiers: Orphanet 2882, MedGen C0342907, MONDO:0008863.

Allele frequency attached by ClinVar (database versions not stated): gnomAD exomes below 0.00001; gnomAD below 0.00001.
gnomAD v4.1: 6 of 1,614,014 alleles (0.00037%); highest among the groups gnomAD compares: South Asian, 0.0055%; no homozygotes.

Submissions (2):

Labcorp Genetics (formerly Invitae), Labcorp
Classification: Uncertain significance for Sitosterolemia. Last evaluated: 2022-05-20. Review status: criteria provided, single submitter. Criteria: Invitae Variant Classification Sherloc (09022015). Collection method: clinical testing. Allele origin: germline.
Comment: Algorithms developed to predict the effect of missense changes on protein structure and function (SIFT, PolyPhen-2, Align-GVGD) all suggest that this variant is likely to be disruptive. In summary, the available evidence is currently insufficient to determine the role of this variant in disease. Therefore, it has been classified as a Variant of Uncertain Significance. ClinVar contains an entry for this variant (Variation ID: 501530). This variant has not been reported in the literature in individuals affected with ABCG5-related conditions. This variant is not present in population databases (gnomAD no frequency). This sequence change replaces glycine, which is neutral and non-polar, with tryptophan, which is neutral and slightly polar, at codon 541 of the ABCG5 protein (p.Gly541Trp).

Eurofins Ntd Llc (ga)
Classification: Uncertain significance. Last evaluated: 2017-04-18. Review status: criteria provided, single submitter. Criteria: EGL Classification Definitions 2015. Collection method: clinical testing. Allele origin: germline. Observed: 1 variant allele, 1 heterozygote.

NM_022436.3(ABCG5):c.1621G>T (p.Gly541Trp)

Genes: ABCG5 (ATP binding cassette subfamily G member 5; minus strand), DYNC2LI1 (dynein cytoplasmic 2 light intermediate chain 1; plus strand). Cytogenetic location: 2p21.
Variant type: single nucleotide variant.
Coding change: c.1621G>T on transcript NM_022436.3 (MANE Select); coding-DNA position 1621, G replaced by T.
Protein change: p.Gly541Trp; replaces glycine 541 with tryptophan.
Molecular consequence: missense variant. On other transcripts: intron variant (2).
Genome position (GRCh38, 1-based): chr2:43,819,943, C>A on the plus strand (G>T on the coding strand, the complement: ABCG5 is on the minus strand). VCF-style: chr2-43819943-C-A. GRCh37 (hg19) VCF-style: chr2-44047082-C-A.
Other names: c.*16-7443C>A (NM_001348913.2, NM_001348912.2); short protein forms G541W.
Identifiers: ClinVar variation 501530 (VCV000501530.12), dbSNP rs142109022, ClinGen allele CA346662813.